The following is an entry in ClinVar:

NM_000062.3(SERPING1):c.1409del (p.Val470fs)

Gene: SERPING1 (serpin family G member 1; plus strand). Cytogenetic location: 11q12.1.
Variant type: Deletion.
Coding change: c.1409del on transcript NM_000062.3 (MANE Select); coding-DNA position 1409, one base deleted (T; older notation c.1409delT).
Protein change: p.Val470fs; shifts the reading frame from valine 470.
Molecular consequence: frameshift variant.
Genome position (GRCh38, 1-based): chr11:57,614,487, T deleted. VCF-style (leftmost placement, unchanged base first): chr11-57614486-GT-G. GRCh37 (hg19) VCF-style: chr11-57381959-GT-G.
Other names: c.1409del, p.Val470fs (NM_001032295.2); short protein forms V470fs.
Identifiers: ClinVar variation 817083 (VCV000817083.1), dbSNP rs1590831492, ClinGen allele CA915948110.

ClinVar aggregate classification (germline): Likely pathogenic (1 of 4 stars; one submission).

Submission:

GeneDx
Classification: Likely pathogenic. Last evaluated: 2018-05-16. Review status: criteria provided, single submitter. Criteria: GeneDx Variant Classification (06012015). Collection method: clinical testing. Allele origin: germline. Affected: yes.
Comment: The c.1409delT variant in the SERPING1 gene causes a frameshift starting with codon Valine 470, changes this amino acid to an Alanine residue and creates a new Stop codon at position 106 of the new reading frame, denoted p.Val470AlafsX106. This variant is predicted to cause the loss of the last 31 correct amino acids, which are replaced by 105 incorrect amino acids. The c.1409delT variant is not observed in large population cohorts (Lek et al., 2016). Therefore, c.1409delT is interpreted to be a likely pathogenic variant